The following is an entry in ClinVar:

NM_014112.5(TRPS1):c.185G>A (p.Ser62Asn)

Gene: TRPS1 (transcriptional repressor GATA binding 1; minus strand). Cytogenetic location: 8q23.3.
Variant type: single nucleotide variant.
Coding change: c.185G>A on transcript NM_014112.5 (MANE Select); coding-DNA position 185, G replaced by A.
Protein change: p.Ser62Asn; replaces serine 62 with asparagine.
Molecular consequence: missense variant.
Genome position (GRCh38, 1-based): chr8:115,619,913, C>T on the plus strand (G>A on the coding strand, the complement: TRPS1 is on the minus strand). VCF-style: chr8-115619913-C-T. GRCh37 (hg19) VCF-style: chr8-116632140-C-T.
Other names: c.158G>A, p.Ser53Asn (NM_001282902.3); c.164G>A, p.Ser55Asn (NM_001282903.3); c.146G>A, p.Ser49Asn (NM_001330599.2); short protein forms S62N, S53N, S55N, S49N.
Identifiers: ClinVar variation 426531 (VCV000426531.4), dbSNP rs1085307671, ClinGen allele CA372070191.
Genomic context (GRCh38, chr8:115,619,913, plus strand): 5'-GAAGATGGATCTTGAACATGCAAGCTATGTTCCTCCTTATGATTTAGTTCTGCAGCATCA[C>T]TCTGATCCGTATTTTCTGACATCTGATCTGCAGAAAATTCTTTGTTCTTTCCAGATACCT-3'
Protein context (NP_054831.2, residues 52-72): ADQMSENTDQ[Ser62Asn]DAAELNHKEE

ClinVar aggregate classification (germline): Uncertain significance. Review status: criteria provided, multiple submitters, no conflicts (2 of 4 stars). 2 submissions from 2 submitters: Uncertain significance (2). Last evaluated 2024-11-02.

Conditions:
Trichorhinophalangeal dysplasia type I (TRPS1). Also called: TRPS I; TRICHORHINOPHALANGEAL SYNDROME, TYPE I. Identifiers: Orphanet 77258, MedGen C0432233, MONDO:0008596, OMIM 190350.
Trichorhinophalangeal syndrome, type III (TRPS3). Also called: SUGIO-KAJII SYNDROME. Identifiers: Orphanet 77258, MedGen C1860823, OMIM 190351, MONDO:0008597.

Allele frequency attached by ClinVar (database versions not stated): gnomAD exomes below 0.00001.

Submissions (2):

Labcorp Genetics (formerly Invitae), Labcorp
Classification: Uncertain significance for Trichorhinophalangeal syndrome, type III; Trichorhinophalangeal dysplasia type I. Last evaluated: 2024-11-02. Review status: criteria provided, single submitter. Criteria: Invitae Variant Classification Sherloc (09022015). Collection method: clinical testing. Allele origin: germline.
Comment: This sequence change replaces serine, which is neutral and polar, with asparagine, which is neutral and polar, at codon 62 of the TRPS1 protein (p.Ser62Asn). This variant is not present in population databases (gnomAD no frequency). This variant has not been reported in the literature in individuals affected with TRPS1-related conditions. ClinVar contains an entry for this variant (Variation ID: 426531). Invitae Evidence Modeling of protein sequence and biophysical properties (such as structural, functional, and spatial information, amino acid conservation, physicochemical variation, residue mobility, and thermodynamic stability) indicates that this missense variant is not expected to disrupt TRPS1 protein function with a negative predictive value of 80%. In summary, the available evidence is currently insufficient to determine the role of this variant in disease. Therefore, it has been classified as a Variant of Uncertain Significance.

GeneDx
Classification: Uncertain significance. Last evaluated: 2017-04-13. Review status: criteria provided, single submitter. Criteria: GeneDx Variant Classification (06012015). Collection method: clinical testing. Allele origin: germline. Affected: yes.
Comment: The S62N variant in the TRPS1 gene has not been reported previously as a pathogenic variant, nor as a benign variant, to our knowledge. The S62N variant is not observed in large population cohorts (Lek et al., 2016; 1000 Genomes Consortium et al., 2015; Exome Variant Server). The S62N variant is a conservative amino acid substitution, which is not likely to impact secondary protein structure as these residues share similar properties. This substitution occurs at a position that is not conserved across species, however, in silico analysis predicts this variant is probably damaging to the protein structure/function. We interpret S62N as a variant of uncertain significance.